The following is an entry in ClinVar:

NM_007294.4(BRCA1):c.2146_2147del (p.Thr715_Ser716insTer)

Gene: BRCA1 (BRCA1 DNA repair associated; minus strand). Cytogenetic location: 17q21.31.
Variant type: Deletion.
Coding change: c.2146_2147del on transcript NM_007294.4 (MANE Select); coding-DNA positions 2146 to 2147, 2 bases deleted (AG; older notation c.2146_2147delAG).
Protein change: p.Thr715_Ser716insTer.
Molecular consequence: nonsense. On other transcripts: intron variant (137).
Genome position (GRCh38, 1-based): chr17:43,093,384-43,093,385, CT deleted on the plus strand (AG on the coding strand, the reverse complement: BRCA1 is on the minus strand). VCF-style (leftmost placement, unchanged base first): chr17-43093383-ACT-A. GRCh37 (hg19) VCF-style: chr17-41245400-ACT-A.
Other names: c.2143_2144del, p.Thr714_Ser715insTer (NM_001407634.1, NM_001407635.1, NM_001407636.1 and 22 more transcripts); c.1933_1934del, p.Thr644_Ser645insTer (NM_001407898.1, NM_001407897.1, NM_001407899.1 and 9 more transcripts); c.1936_1937del, p.Thr645_Ser646insTer (NM_001407900.1, NM_001407879.1, NM_001407881.1 and 13 more transcripts); c.1879_1880del, p.Thr626_Ser627insTer (NM_001407931.1, NM_001407932.1, NM_001407934.1 and 2 more transcripts); c.1882_1883del, p.Thr627_Ser628insTer (NM_001407933.1, NM_001407929.1, NM_001407935.1 and 9 more transcripts); c.2023_2024del, p.Thr674_Ser675insTer (NM_001407937.1, NM_001407939.1, NM_001407938.1 and 19 more transcripts); c.2146_2147del, p.Thr715_Ser716insTer (NM_001407639.1, NM_001407642.1, NM_001407640.1 and 30 more transcripts); c.2137_2138del, p.Thr712_Ser713insTer (NM_001407646.1, NM_001407647.1); and 41 more.
Identifiers: ClinVar variation 2700820 (VCV002700820.3), dbSNP rs2552192943, ClinGen allele CA2697554267.

ClinVar aggregate classification (germline): Pathogenic (1 of 4 stars; one submission).

Conditions:
Hereditary breast ovarian cancer syndrome. Also called: BRCA1- and BRCA2-Associated Hereditary Breast and Ovarian Cancer; Hereditary breast and ovarian cancer; Hereditary breast and ovarian cancer syndrome (HBOC); Hereditary breast and ovarian cancer syndrome; Hereditary breast and/or ovarian cancer syndrome; Breast and ovarian cancer. Identifiers: Orphanet 145, MedGen C0677776, MeSH D061325, MONDO:0003582. Disease mechanism: loss of function.

Submission:

Labcorp Genetics (formerly Invitae), Labcorp
Classification: Pathogenic for Hereditary breast ovarian cancer syndrome. Last evaluated: 2023-12-04. Review status: criteria provided, single submitter. Criteria: Invitae Variant Classification Sherloc (09022015). Collection method: clinical testing. Allele origin: germline.
Comment: This sequence change creates a premature translational stop signal (p.Ser716*) in the BRCA1 gene. It is expected to result in an absent or disrupted protein product. Loss-of-function variants in BRCA1 are known to be pathogenic (PMID: 20104584). This variant is not present in population databases (gnomAD no frequency). This variant has not been reported in the literature in individuals affected with BRCA1-related conditions. For these reasons, this variant has been classified as Pathogenic.

Literature cited by the submitters: PubMed 20104584.